The following is an entry in ClinVar:

ClinVar aggregate classification (germline): Conflicting classifications of pathogenicity. Review status: criteria provided, conflicting classifications (1 of 4 stars). 3 submissions from 3 submitters: Uncertain significance (2); Likely benign (1). Last evaluated 2026-09-17.

Conditions:
ABCC6-related disorder. Also called: ABCC6-related condition.

gnomAD v4.1: 46 of 1,609,504 alleles (0.0029%); highest among the groups gnomAD compares: African/African-American, 0.031%; no homozygotes.

Submissions (3):

PreventionGenetics, part of Exact Sciences
Classification: Uncertain significance for ABCC6-related condition. Last evaluated: 2026-09-17. Review status: criteria provided, single submitter. Criteria: ACMG Guidelines, 2015. Collection method: clinical testing. Allele origin: germline.
Comment: The ABCC6 c.259C>T variant is predicted to result in the amino acid substitution p.Arg87Trp. To our knowledge, this variant has not been reported in the literature. This variant is reported in 0.033% of alleles in individuals of African descent in gnomAD. At this time, the clinical significance of this variant is uncertain due to the absence of conclusive functional and genetic evidence.

CeGaT Center for Human Genetics Tuebingen
Classification: Uncertain significance. Last evaluated: 2026-07-01. Review status: criteria provided, single submitter. Criteria: CeGaT Center For Human Genetics Tuebingen Variant Classification Criteria Version 2. Collection method: clinical testing. Allele origin: germline. Affected: yes. Observed: 1 variant allele.
Comment: ABCC6: PM2, BP4

Blueprint Genetics
Classification: Likely benign. Last evaluated: 2024-02-19. Review status: criteria provided, single submitter. Criteria: ACMG Guidelines, 2015. Collection method: clinical testing. Allele origin: germline.

NM_001171.6(ABCC6):c.219+40C>T

Gene: ABCC6 (ATP binding cassette subfamily C member 6; minus strand). Cytogenetic location: 16p13.11.
Variant type: single nucleotide variant.
Coding change: c.219+40C>T on transcript NM_001171.6 (MANE Select); 40 bases into the intron after coding-DNA position 219, C replaced by T.
Molecular consequence: intron variant. On other transcripts: missense variant (1).
Genome position (GRCh38, 1-based): chr16:16,221,609, G>A on the plus strand (C>T on the coding strand, the complement: ABCC6 is on the minus strand). VCF-style: chr16-16221609-G-A. GRCh37 (hg19) VCF-style: chr16-16315466-G-A.
Other names: c.259C>T, p.Arg87Trp (NM_001079528.4); c.219+40C>T (NM_001440310.1, NM_001440309.1); c.-124+9C>T (NM_001351800.1); c.259C>T (NM_001079528.3); short protein forms R87W.
Identifiers: ClinVar variation 4928812 (VCV004928812.3).